The following is an entry in ClinVar:

ClinVar aggregate classification (germline): Uncertain significance. Review status: criteria provided, multiple submitters, no conflicts (2 of 4 stars). 2 submissions from 2 submitters: Uncertain significance (2). Last evaluated 2025-04-10.

Conditions:
Neuroblastoma, susceptibility to, 3. Also called: ALK-Related Neuroblastic Tumor Susceptibility. Identifiers: Orphanet 635, MedGen C2751681, MONDO:0013083, OMIM 613014.
Hereditary cancer-predisposing syndrome. Also called: Tumor predisposition; Hereditary neoplastic syndrome; Neoplastic Syndromes, Hereditary; Hereditary Cancer Syndrome. Identifiers: Orphanet 140162, MedGen C0027672, MeSH D009386, MONDO:0015356.

Submissions (2):

Ambry Genetics
Classification: Uncertain significance for Hereditary cancer-predisposing syndrome. Last evaluated: 2025-04-10. Review status: criteria provided, single submitter. Criteria: Ambry Variant Classification Scheme 2023. Collection method: clinical testing. Allele origin: germline.
Comment: The p.V793A variant (also known as c.2378T>C), located in coding exon 14 of the ALK gene, results from a T to C substitution at nucleotide position 2378. The valine at codon 793 is replaced by alanine, an amino acid with similar properties. This amino acid position is conserved. In addition, the in silico prediction for this alteration is inconclusive. Since supporting evidence is limited at this time, the clinical significance of this alteration remains unclear.

Labcorp Genetics (formerly Invitae), Labcorp
Classification: Uncertain significance for Neuroblastoma, susceptibility to, 3. Last evaluated: 2022-09-22. Review status: criteria provided, single submitter. Criteria: Invitae Variant Classification Sherloc (09022015). Collection method: clinical testing. Allele origin: germline.
Comment: In summary, the available evidence is currently insufficient to determine the role of this variant in disease. Therefore, it has been classified as a Variant of Uncertain Significance. Algorithms developed to predict the effect of missense changes on protein structure and function (SIFT, PolyPhen-2, Align-GVGD) all suggest that this variant is likely to be disruptive. ClinVar contains an entry for this variant (Variation ID: 1496388). This variant has not been reported in the literature in individuals affected with ALK-related conditions. This variant is not present in population databases (gnomAD no frequency). This sequence change replaces valine, which is neutral and non-polar, with alanine, which is neutral and non-polar, at codon 793 of the ALK protein (p.Val793Ala).

NM_004304.5(ALK):c.2378T>C (p.Val793Ala)

Gene: ALK (ALK receptor tyrosine kinase; minus strand). Cytogenetic location: 2p23.2.
Variant type: single nucleotide variant.
Coding change: c.2378T>C on transcript NM_004304.5 (MANE Select); coding-DNA position 2378, T replaced by C.
Protein change: p.Val793Ala; replaces valine 793 with alanine.
Molecular consequence: missense variant.
Genome position (GRCh38, 1-based): chr2:29,233,674, A>G on the plus strand (T>C on the coding strand, the complement: ALK is on the minus strand). VCF-style: chr2-29233674-A-G. GRCh37 (hg19) VCF-style: chr2-29456540-A-G.
Other names: c.2378T>C (NM_004304.4); short protein forms V793A.
Identifiers: ClinVar variation 1496388 (VCV001496388.11), dbSNP rs1664284981, ClinGen allele CA346472493.